The following is an entry in ClinVar:

NM_032043.3(BRIP1):c.2227T>G (p.Tyr743Asp)

Gene: BRIP1 (BRCA1 interacting DNA helicase 1; minus strand). Cytogenetic location: 17q23.2.
Variant type: single nucleotide variant.
Coding change: c.2227T>G on transcript NM_032043.3 (MANE Select); coding-DNA position 2227, T replaced by G.
Protein change: p.Tyr743Asp; replaces tyrosine 743 with aspartic acid.
Molecular consequence: missense variant.
Genome position (GRCh38, 1-based): chr17:61,744,462, A>C on the plus strand (T>G on the coding strand, the complement: BRIP1 is on the minus strand). VCF-style: chr17-61744462-A-C. GRCh37 (hg19) VCF-style: chr17-59821823-A-C.
Other names: short protein forms Y743D.
Identifiers: ClinVar variation 1358932 (VCV001358932.9), dbSNP rs2144695971, ClinGen allele CA400482914.

ClinVar aggregate classification (germline): Uncertain significance (1 of 4 stars; one submission).

Conditions:
Familial cancer of breast. Also called: BREAST CANCER, FAMILIAL; hereditary breast carcinoma; Hereditary breast cancer. Identifiers: Orphanet 227535, MedGen C0346153, MONDO:0016419, OMIM 114480. Disease mechanism: loss of function.
Fanconi anemia complementation group J. Also called: BRIP1-Related Fanconi Anemia. Identifiers: Orphanet 84, MedGen C1836860, MONDO:0012187, OMIM 609054.

Submission:

Labcorp Genetics (formerly Invitae), Labcorp
Classification: Uncertain significance for Familial cancer of breast; Fanconi anemia complementation group J. Last evaluated: 2026-01-26. Review status: criteria provided, single submitter. Criteria: Invitae Variant Classification Sherloc (09022015). Collection method: clinical testing. Allele origin: germline.
Comment: This sequence change replaces tyrosine, which is neutral and polar, with aspartic acid, which is acidic and polar, at codon 743 of the BRIP1 protein (p.Tyr743Asp). This variant is not present in population databases (gnomAD no frequency). This variant has not been reported in the literature in individuals affected with BRIP1-related conditions. ClinVar contains an entry for this variant (Variation ID: 1358932). Invitae Evidence Modeling of protein sequence and biophysical properties (such as structural, functional, and spatial information, amino acid conservation, physicochemical variation, residue mobility, and thermodynamic stability) has been performed for this missense variant. However, the output from this modeling did not meet the statistical confidence thresholds required to predict the impact of this variant on BRIP1 protein function. In summary, the available evidence is currently insufficient to determine the role of this variant in disease. Therefore, it has been classified as a Variant of Uncertain Significance.